The following is an entry in ClinVar:

NM_001379110.1(SLC9A6):c.1662-43A>T

Gene: SLC9A6 (solute carrier family 9 member A6; plus strand). Cytogenetic location: Xq26.3.
Variant type: single nucleotide variant.
Coding change: c.1662-43A>T on transcript NM_001379110.1 (MANE Select); 43 bases into the intron before coding-DNA position 1662, A replaced by T.
Molecular consequence: intron variant.
Genome position (GRCh38, 1-based): chrX:136,040,033, A>T. VCF-style: chrX-136040033-A-T. GRCh37 (hg19) VCF-style: chrX-135122192-A-T.
Other names: c.1572-43A>T (NM_001400909.1, NM_001400910.1, NM_001400911.1 and 2 more transcripts); c.1818-43A>T (NM_001438742.1); c.1728-43A>T (NM_001042537.2); c.1632-43A>T (NM_006359.3); c.1476-43A>T (NM_001400913.1, NM_001330652.2).
Identifiers: ClinVar variation 5019309 (VCV005019309.2).
Genomic context (GRCh38, chrX:136,040,033, plus strand): 5'-GTCCTCCGAAGTGGTTACTATACTATGATGGTGATTATTATCAAACGAGTTGCTCTTTTA[A>T]ATTTGTAAAGAAAGGACCACAGCTCTTCCTTAACCACCGCAGCTATCTGAAGCCTCTGCT-3'

ClinVar aggregate classification (germline): Uncertain significance (1 of 4 stars; one submission).

Conditions:
Neurodegenerative disorder, X-linked, female-restricted, with parkinsonism and cognitive impairment. Identifiers: MedGen C6012689, MONDO:0976236, OMIM 301142.
Christianson syndrome (MRXSCH). Also called: X-linked mental retardation, syndromic, Christianson type; INTELLECTUAL DEVELOPMENTAL DISORDER, X-LINKED, SYNDROMIC, CHRISTIANSON TYPE; SLC9A6-Related Syndromic Mental Retardation. Identifiers: Orphanet 85278, MedGen C2678194, MONDO:0010278, OMIM 300243.

Submission:

Juno Genomics, Hangzhou Juno Genomics, Inc
Classification: Uncertain significance for Christianson syndrome; Neurodegenerative disorder, X-linked, female-restricted, with parkinsonism and cognitive impairment. Review status: criteria provided, single submitter. Criteria: ACMG Guidelines, 2015. Collection method: clinical testing. Allele origin: germline.
Comment: Absent from controls (or at extremely low frequency if recessive) in Genome Aggregation Database.;Multiple lines of computational evidence support a deleterious effect on the gene or gene product.